The following is an entry in ClinVar:

ClinVar aggregate classification (germline): Pathogenic (1 of 4 stars; one submission).

Conditions:
Galactosylceramide beta-galactosidase deficiency. Also called: Krabbe Disease; Leukodystrophy, Globoid Cell; GALACTOCEREBROSIDASE DEFICIENCY; GALC DEFICIENCY; GLOBOID CELL LEUKOENCEPHALOPATHY. Identifiers: Orphanet 487, MedGen C0023521, MONDO:0009499, OMIM 245200.

Submission:

Labcorp Genetics (formerly Invitae), Labcorp
Classification: Pathogenic for Galactosylceramide beta-galactosidase deficiency. Last evaluated: 2025-10-05. Review status: criteria provided, single submitter. Criteria: Invitae Variant Classification Sherloc (09022015). Collection method: clinical testing. Allele origin: germline.
Comment: This sequence change creates a premature translational stop signal (p.Leu456Glnfs*4) in the GALC gene. It is expected to result in an absent or disrupted protein product. Loss-of-function variants in GALC are known to be pathogenic (PMID: 7437911, 9272171, 16607461). This variant is not present in population databases (gnomAD no frequency). This variant has not been reported in the literature in individuals affected with GALC-related conditions. ClinVar contains an entry for this variant (Variation ID: 1432015). For these reasons, this variant has been classified as Pathogenic.

Literature cited by the submitters: PubMed 7437911; PubMed 9272171; PubMed 16607461.

NM_000153.4(GALC):c.1367_1368del (p.Leu456fs)

Gene: GALC (galactosylceramidase; minus strand). Cytogenetic location: 14q31.3.
Variant type: Deletion.
Coding change: c.1367_1368del on transcript NM_000153.4 (MANE Select); coding-DNA positions 1367 to 1368, 2 bases deleted (TG; older notation c.1367_1368delTG).
Protein change: p.Leu456fs; shifts the reading frame from leucine 456.
Molecular consequence: frameshift variant.
Genome position (GRCh38, 1-based): chr14:87,947,849-87,947,850, CA deleted on the plus strand (TG on the coding strand, the reverse complement: GALC is on the minus strand). VCF-style (leftmost placement, unchanged base first): chr14-87947848-TCA-T. GRCh37 (hg19) VCF-style: chr14-88414192-TCA-T.
Other names: c.1289_1290del, p.Leu430fs (NM_001201402.2); c.1298_1299del, p.Leu433fs (NM_001201401.2); short protein forms L430fs, L433fs, L456fs.
Identifiers: ClinVar variation 1432015 (VCV001432015.6), dbSNP rs2139956734, ClinGen allele CA2573150294.
Genomic context (GRCh38, chr14:87,947,848, plus strand): 5'-AGCTGCCTTTGCGACCAGTGGTGAGAGTGGTGAGTGTGAACAGCTCATCTTCATGCAGGC[TCA>T]GTGTGAAACTGCCATCGCTGTCAAGGAGCTGAAAAAGAAGACACTACTGTATTCAGGACC-3'